The following is an entry in ClinVar:

ClinVar aggregate classification (germline): Likely pathogenic (1 of 4 stars; one submission).

Allele frequency attached by ClinVar (database versions not stated): TOPMed 0.00001; gnomAD exomes below 0.00001.
gnomAD v4.1: 4 of 1,610,580 alleles (0.00025%); highest among the groups gnomAD compares: Non-Finnish European, 0.00034%; no homozygotes.

Submission:

GeneDx
Classification: Likely pathogenic. Last evaluated: 2017-09-26. Review status: criteria provided, single submitter. Criteria: GeneDx Variant Classification (06012015). Collection method: clinical testing. Allele origin: germline. Affected: yes.
Comment: The W315X variant in the SLC18A3 gene has not been reported previously as a pathogenic variant nor as a benign variant, to our knowledge. This variant is predicted to cause loss of normal protein function through protein truncation. The W315X variant is not observed in large population cohorts (Lek et al., 2016; 1000 Genomes Consortium et al., 2015; Exome Variant Server). We interpret W315X as a likely pathogenic variant.

NM_003055.3(SLC18A3):c.945G>A (p.Trp315Ter)

Genes: CHAT (choline O-acetyltransferase; plus strand), SLC18A3 (solute carrier family 18 member A3; plus strand). Cytogenetic location: 10q11.23.
Variant type: single nucleotide variant.
Coding change: c.945G>A on transcript NM_003055.3 (MANE Select); coding-DNA position 945, G replaced by A.
Protein change: p.Trp315Ter; replaces tryptophan 315 with a stop codon.
Molecular consequence: nonsense. On other transcripts: intron variant (1).
Genome position (GRCh38, 1-based): chr10:49,611,685, G>A. VCF-style: chr10-49611685-G-A. GRCh37 (hg19) VCF-style: chr10-50819731-G-A.
Other names: c.-69+2486G>A (NM_020984.4); short protein forms W315*.
Identifiers: ClinVar variation 451786 (VCV000451786.4), dbSNP rs1554800734, ClinGen allele CA376721353.